The following is an entry in ClinVar:

NM_000455.5(STK11):c.233A>G (p.Lys78Arg)

Gene: STK11 (serine/threonine kinase 11; plus strand). Cytogenetic location: 19p13.3.
Variant type: single nucleotide variant.
Coding change: c.233A>G on transcript NM_000455.5 (MANE Select); coding-DNA position 233, A replaced by G.
Protein change: p.Lys78Arg; replaces lysine 78 with arginine.
Molecular consequence: missense variant.
Genome position (GRCh38, 1-based): chr19:1,207,146, A>G. VCF-style: chr19-1207146-A-G. GRCh37 (hg19) VCF-style: chr19-1207145-A-G.
Other names: short protein forms K78R.
Identifiers: ClinVar variation 834672 (VCV000834672.10), dbSNP rs2080672927, ClinGen allele CA402944434.

ClinVar aggregate classification (germline): Uncertain significance. Review status: criteria provided, multiple submitters, no conflicts (2 of 4 stars). 2 submissions from 2 submitters: Uncertain significance (2). Last evaluated 2023-12-06.

Conditions:
Peutz-Jeghers syndrome (PJS). Also called: Peutz-Jeghers polyposis; Periorificial lentiginosis syndrome; POLYPOSIS, HAMARTOMATOUS INTESTINAL; POLYPS-AND-SPOTS SYNDROME. Identifiers: Orphanet 2869, MedGen C0031269, MeSH D010580, MONDO:0008280, OMIM 175200.
Hereditary cancer-predisposing syndrome. Also called: Neoplastic Syndromes, Hereditary; Hereditary neoplastic syndrome; Tumor predisposition; Hereditary Cancer Syndrome. Identifiers: Orphanet 140162, MedGen C0027672, MeSH D009386, MONDO:0015356.

Submissions (2):

Ambry Genetics
Classification: Uncertain significance for Hereditary cancer-predisposing syndrome. Last evaluated: 2023-12-06. Review status: criteria provided, single submitter. Criteria: Ambry Variant Classification Scheme 2023. Collection method: clinical testing. Allele origin: germline.
Comment: The p.K78R variant (also known as c.233A>G), located in coding exon 1 of the STK11 gene, results from an A to G substitution at nucleotide position 233. The lysine at codon 78 is replaced by arginine, an amino acid with highly similar properties. This amino acid position is highly conserved in available vertebrate species. In addition, this alteration is predicted to be deleterious by in silico analysis. Since supporting evidence is limited at this time, the clinical significance of this alteration remains unclear.

Labcorp Genetics (formerly Invitae), Labcorp
Classification: Uncertain significance for Peutz-Jeghers syndrome. Last evaluated: 2019-02-20. Review status: criteria provided, single submitter. Criteria: Invitae Variant Classification Sherloc (09022015). Collection method: clinical testing. Allele origin: germline.
Comment: In summary, the available evidence is currently insufficient to determine the role of this variant in disease. Therefore, it has been classified as a Variant of Uncertain Significance. Algorithms developed to predict the effect of missense changes on protein structure and function (SIFT, PolyPhen-2, Align-GVGD) all suggest that this variant is likely to be disruptive, but these predictions have not been confirmed by published functional studies and their clinical significance is uncertain. This variant has not been reported in the literature in individuals with STK11-related conditions. This variant is not present in population databases (ExAC no frequency). This sequence change replaces lysine with arginine at codon 78 of the STK11 protein (p.Lys78Arg). The lysine residue is highly conserved and there is a small physicochemical difference between lysine and arginine.